The following is an entry in ClinVar:

NM_001297.5(CNGB1):c.1495G>C (p.Asp499His)

Gene: CNGB1 (cyclic nucleotide gated channel subunit beta 1; minus strand). Cytogenetic location: 16q21.
Variant type: single nucleotide variant.
Coding change: c.1495G>C on transcript NM_001297.5 (MANE Select); coding-DNA position 1495, G replaced by C.
Protein change: p.Asp499His; replaces aspartic acid 499 with histidine.
Molecular consequence: missense variant.
Genome position (GRCh38, 1-based): chr16:57,931,756, C>G on the plus strand (G>C on the coding strand, the complement: CNGB1 is on the minus strand). VCF-style: chr16-57931756-C-G. GRCh37 (hg19) VCF-style: chr16-57965660-C-G.
Other names: c.1477G>C, p.Asp493His (NM_001286130.2); short protein forms D499H, D493H.
Identifiers: ClinVar variation 1038890 (VCV001038890.8), dbSNP rs1961355142, ClinGen allele CA396070527.
Genomic context (GRCh38, chr16:57,931,756, plus strand): 5'-AGAGAAGCATAAAAGGTAACCTGTGTGTCCCCGAGGCTGAGCTTGGGACTATAAGGGTGT[C>G]TGATTTGGCAGGAGACGGTGGCGGCAACACGGTTGAGGGTGGATTCTCTTCTGCCATGAG-3'
Protein context (NP_001288.3, residues 489-509): VLPPPSPAKS[Asp499His]TLIVPSSASG

ClinVar aggregate classification (germline): Uncertain significance (1 of 4 stars; one submission).

Submission:

Labcorp Genetics (formerly Invitae), Labcorp
Classification: Uncertain significance. Last evaluated: 2020-06-23. Review status: criteria provided, single submitter. Criteria: Invitae Variant Classification Sherloc (09022015). Collection method: clinical testing. Allele origin: germline.
Comment: This sequence change replaces aspartic acid with histidine at codon 499 of the CNGB1 protein (p.Asp499His). The aspartic acid residue is weakly conserved and there is a moderate physicochemical difference between aspartic acid and histidine. This variant is not present in population databases (ExAC no frequency). This variant has not been reported in the literature in individuals with CNGB1-related conditions. Algorithms developed to predict the effect of missense changes on protein structure and function (SIFT, PolyPhen-2, Align-GVGD) all suggest that this variant is likely to be tolerated, but these predictions have not been confirmed by published functional studies and their clinical significance is uncertain. In summary, the available evidence is currently insufficient to determine the role of this variant in disease. Therefore, it has been classified as a Variant of Uncertain Significance.